The following is an entry in ClinVar:

ClinVar aggregate classification (germline): Uncertain significance (1 of 4 stars; one submission).

gnomAD v4.1: 3 of 1,611,832 alleles (0.00019%); highest among the groups gnomAD compares: African/African-American, 0.0013%; no homozygotes.

Submission:

Labcorp Genetics (formerly Invitae), Labcorp
Classification: Uncertain significance. Last evaluated: 2024-06-30. Review status: criteria provided, single submitter. Criteria: Invitae Variant Classification Sherloc (09022015). Collection method: clinical testing. Allele origin: germline.
Comment: This sequence change replaces proline, which is neutral and non-polar, with serine, which is neutral and polar, at codon 280 of the TMPRSS6 protein (p.Pro280Ser). This variant is present in population databases (no rsID available, gnomAD 0.01%). This variant has not been reported in the literature in individuals affected with TMPRSS6-related conditions. An algorithm developed to predict the effect of missense changes on protein structure and function (PolyPhen-2) suggests that this variant is likely to be disruptive. In summary, the available evidence is currently insufficient to determine the role of this variant in disease. Therefore, it has been classified as a Variant of Uncertain Significance.

NM_001374504.1(TMPRSS6):c.811C>T (p.Pro271Ser)

Gene: TMPRSS6 (transmembrane serine protease 6; minus strand). Cytogenetic location: 22q12.3.
Variant type: single nucleotide variant.
Coding change: c.811C>T on transcript NM_001374504.1 (MANE Select); coding-DNA position 811, C replaced by T.
Protein change: p.Pro271Ser; replaces proline 271 with serine.
Molecular consequence: missense variant.
Genome position (GRCh38, 1-based): chr22:37,089,603, G>A on the plus strand (C>T on the coding strand, the complement: TMPRSS6 is on the minus strand). VCF-style: chr22-37089603-G-A. GRCh37 (hg19) VCF-style: chr22-37485643-G-A.
Other names: c.811C>T, p.Pro271Ser (NM_001289000.2, NM_001289001.2, NM_153609.4); short protein forms P271S.
Identifiers: ClinVar variation 3693374 (VCV003693374.2).